The following is an entry in ClinVar:

NM_006739.4(MCM5):c.2041C>T (p.Arg681Cys)

Gene: MCM5 (minichromosome maintenance complex component 5; plus strand). Cytogenetic location: 22q12.3.
Variant type: single nucleotide variant.
Coding change: c.2041C>T on transcript NM_006739.4 (MANE Select); coding-DNA position 2041, C replaced by T.
Protein change: p.Arg681Cys; replaces arginine 681 with cysteine.
Molecular consequence: missense variant.
Genome position (GRCh38, 1-based): chr22:35,423,279, C>T. VCF-style: chr22-35423279-C-T. GRCh37 (hg19) VCF-style: chr22-35819272-C-T.
Other names: short protein forms R681C.
Identifiers: ClinVar variation 3124361 (VCV003124361.2), dbSNP rs372993447, ClinGen allele CA10205642.

ClinVar aggregate classification (germline): Uncertain significance. Review status: criteria provided, multiple submitters, no conflicts (2 of 4 stars). 2 submissions from 2 submitters: Uncertain significance (2). Last evaluated 2025-12-29.

Allele frequency attached by ClinVar (database versions not stated): gnomAD 0.00001; gnomAD exomes 0.00001; ExAC 0.00003; TOPMed 0.00003; ESP Exome Variant Server 0.00008.
gnomAD v4.1: 14 of 1,608,634 alleles (0.00087%); highest among the groups gnomAD compares: Admixed American, 0.0034%; no homozygotes.

Submissions (2):

Labcorp Genetics (formerly Invitae), Labcorp
Classification: Uncertain significance. Last evaluated: 2025-12-29. Review status: criteria provided, single submitter. Criteria: Invitae Variant Classification Sherloc (09022015). Collection method: clinical testing. Allele origin: germline.
Comment: This sequence change replaces arginine, which is basic and polar, with cysteine, which is neutral and slightly polar, at codon 681 of the MCM5 protein (p.Arg681Cys). This variant is present in population databases (rs372993447, gnomAD 0.006%). This variant has not been reported in the literature in individuals affected with MCM5-related conditions. ClinVar contains an entry for this variant (Variation ID: 3124361). Invitae Evidence Modeling of protein sequence and biophysical properties (such as structural, functional, and spatial information, amino acid conservation, physicochemical variation, residue mobility, and thermodynamic stability) has been performed for this missense variant. However, the output from this modeling did not meet the statistical confidence thresholds required to predict the impact of this variant on MCM5 protein function. In summary, the available evidence is currently insufficient to determine the role of this variant in disease. Therefore, it has been classified as a Variant of Uncertain Significance.

Ambry Genetics
Classification: Uncertain significance. Last evaluated: 2024-02-26. Review status: criteria provided, single submitter. Criteria: Ambry Variant Classification Scheme 2023. Collection method: clinical testing. Allele origin: germline.